The following is an entry in ClinVar:

ClinVar aggregate classification (germline): Uncertain significance (1 of 4 stars; one submission).

Conditions:
CAMTA1-related disorder. Also called: CAMTA1-related condition.

Submission:

PreventionGenetics, part of Exact Sciences
Classification: Uncertain significance for CAMTA1-related condition. Last evaluated: 2025-06-24. Review status: criteria provided, single submitter. Criteria: ACMG Guidelines, 2015. Collection method: clinical testing. Allele origin: germline.
Comment: The CAMTA1 c.2348T>A variant is predicted to result in the amino acid substitution p.Val783Glu. To our knowledge, this variant has not been reported in the literature. This variant is reported in 0.0062% of alleles in individuals of African descent in gnomAD. At this time, the clinical significance of this variant is uncertain due to the absence of conclusive functional and genetic evidence.

NM_015215.4(CAMTA1):c.2348T>A (p.Val783Glu)

Gene: CAMTA1 (calmodulin binding transcription activator 1; plus strand). Cytogenetic location: 1p36.23.
Variant type: single nucleotide variant.
Coding change: c.2348T>A on transcript NM_015215.4 (MANE Select); coding-DNA position 2348, T replaced by A.
Protein change: p.Val783Glu; replaces valine 783 with glutamic acid.
Molecular consequence: missense variant.
Genome position (GRCh38, 1-based): chr1:7,664,895, T>A. VCF-style: chr1-7664895-T-A. GRCh37 (hg19) VCF-style: chr1-7724955-T-A.
Other names: c.2258T>A, p.Val753Glu (NM_001349608.2, NM_001349612.2); c.2348T>A, p.Val783Glu (NM_001349609.2, NM_001349610.2, NM_001410737.1); c.2276T>A, p.Val759Glu (NM_001410738.1); short protein forms V753E, V783E, V759E.
Identifiers: ClinVar variation 4999054 (VCV004999054.1).